The following is an entry in ClinVar:

NM_003126.4(SPTA1):c.2762T>C (p.Ile921Thr)

Gene: SPTA1 (spectrin alpha, erythrocytic 1; minus strand). Cytogenetic location: 1q23.1.
Variant type: single nucleotide variant.
Coding change: c.2762T>C on transcript NM_003126.4 (MANE Select); coding-DNA position 2762, T replaced by C.
Protein change: p.Ile921Thr; replaces isoleucine 921 with threonine.
Molecular consequence: missense variant.
Genome position (GRCh38, 1-based): chr1:158,657,520, A>G on the plus strand (T>C on the coding strand, the complement: SPTA1 is on the minus strand). VCF-style: chr1-158657520-A-G. GRCh37 (hg19) VCF-style: chr1-158627310-A-G.
Other names: short protein forms I921T.
Identifiers: ClinVar variation 4700124 (VCV004700124.1).

ClinVar aggregate classification (germline): Uncertain significance (1 of 4 stars; one submission).

gnomAD v4.1: 4 of 1,614,120 alleles (0.00025%); highest among the groups gnomAD compares: South Asian, 0.0011%; no homozygotes.

Submission:

Labcorp Genetics (formerly Invitae), Labcorp
Classification: Uncertain significance. Last evaluated: 2025-04-11. Review status: criteria provided, single submitter. Criteria: Invitae Variant Classification Sherloc (09022015). Collection method: clinical testing. Allele origin: germline.
Comment: This sequence change replaces isoleucine, which is neutral and non-polar, with threonine, which is neutral and polar, at codon 921 of the SPTA1 protein (p.Ile921Thr). This variant is not present in population databases (gnomAD no frequency). This variant has not been reported in the literature in individuals affected with SPTA1-related conditions. Invitae Evidence Modeling of protein sequence and biophysical properties (such as structural, functional, and spatial information, amino acid conservation, physicochemical variation, residue mobility, and thermodynamic stability) indicates that this missense variant is not expected to disrupt SPTA1 protein function with a negative predictive value of 80%. In summary, the available evidence is currently insufficient to determine the role of this variant in disease. Therefore, it has been classified as a Variant of Uncertain Significance.